The following is an entry in ClinVar:

NC_000002.12:g.(?_32114628)_(32114835_?)del

Gene: SPAST (spastin; plus strand). Cytogenetic location: 2p22.3.
Variant type: Deletion.
Identifiers: ClinVar variation 832723 (VCV000832723.1).

ClinVar aggregate classification (germline): Pathogenic (1 of 4 stars; one submission).

Conditions:
Hereditary spastic paraplegia 4. Also called: Spastic paraplegia 4, autosomal dominant; Familial spastic paraplegia autosomal dominant 2; Spastic Paraplegia 4. Identifiers: Orphanet 100985, MedGen C1866855, MONDO:0008438, OMIM 182601.

Submission:

Labcorp Genetics (formerly Invitae), Labcorp
Classification: Pathogenic for Spastic paraplegia 4, autosomal dominant. Last evaluated: 2019-12-31. Review status: criteria provided, single submitter. Criteria: Invitae Variant Classification Sherloc (09022015). Collection method: clinical testing. Allele origin: germline.
Comment: This variant is an out-of-frame deletion of the genomic region encompassing exon 5 of the SPAST gene. This is expected to create a premature translational stop signal and result in an absent or disrupted protein product. Similar copy number variants have been observed in individual(s) with spastic paraplegia (PMID: 17594340, 25065914). Loss-of-function variants in SPAST are known to be pathogenic (PMID: 20932283). For these reasons, this variant has been classified as Pathogenic.

Literature cited by the submitters: PubMed 17594340; PubMed 25065914.